The following is an entry in ClinVar:

NM_001256789.3(CACNA1F):c.3902_3903delinsAT (p.Gly1301Asp)

Gene: CACNA1F (calcium voltage-gated channel subunit alpha1 F; minus strand). Cytogenetic location: Xp11.23.
Variant type: Indel.
Coding change: c.3902_3903delinsAT on transcript NM_001256789.3 (MANE Select); coding-DNA positions 3902 to 3903, GG replaced by AT.
Protein change: p.Gly1301Asp; replaces glycine 1301 with aspartic acid.
Molecular consequence: missense variant.
Genome position (GRCh38, 1-based): chrX:49,212,706-49,212,707, CC replaced by AT on the plus strand (GG replaced by AT on the coding strand, the reverse complement: CACNA1F is on the minus strand). VCF-style: chrX-49212706-CC-AT. GRCh37 (hg19) VCF-style: chrX-49069166-CC-AT.
Other names: c.3740_3741delinsAT, p.Gly1247Asp (NM_001256790.3); c.3935_3936delinsAT, p.Gly1312Asp (NM_005183.4); short protein forms G1247D, G1301D, G1312D.
Identifiers: ClinVar variation 4083350 (VCV004083350.1).

ClinVar aggregate classification (germline): Uncertain significance (1 of 4 stars; one submission).

Submission:

GeneDx
Classification: Uncertain significance. Last evaluated: 2025-03-14. Review status: criteria provided, single submitter. Criteria: GeneDx Variant Classification Process June 2021. Collection method: clinical testing. Allele origin: germline. Affected: yes.
Comment: Not observed at significant frequency in large population cohorts (gnomAD); In silico analysis supports a deleterious effect on protein structure/function; Has not been previously published as pathogenic or benign to our knowledge